The following is an entry in ClinVar:

ClinVar aggregate classification (germline): Uncertain significance (1 of 4 stars; one submission).

Conditions:
Familial temporal lobe epilepsy 7. Identifiers: Orphanet 101046, MedGen C4225327, MONDO:0014639, OMIM 616436.
Norman-Roberts syndrome (LIS2). Also called: Lissencephaly 2 (Norman-Roberts type). Identifiers: Orphanet 89844, MedGen C0796089, MONDO:0009760, OMIM 257320.

Allele frequency attached by ClinVar (database versions not stated): TOPMed below 0.00001.

Submission:

Labcorp Genetics (formerly Invitae), Labcorp
Classification: Uncertain significance for Familial temporal lobe epilepsy 7; Norman-Roberts syndrome. Last evaluated: 2022-08-16. Review status: criteria provided, single submitter. Criteria: Invitae Variant Classification Sherloc (09022015). Collection method: clinical testing. Allele origin: germline.
Comment: This sequence change replaces alanine, which is neutral and non-polar, with aspartic acid, which is acidic and polar, at codon 1638 of the RELN protein (p.Ala1638Asp). This variant is not present in population databases (gnomAD no frequency). This variant has not been reported in the literature in individuals affected with RELN-related conditions. ClinVar contains an entry for this variant (Variation ID: 1018583). Algorithms developed to predict the effect of missense changes on protein structure and function are either unavailable or do not agree on the potential impact of this missense change (SIFT: "Deleterious"; PolyPhen-2: "Probably Damaging"; Align-GVGD: "Class C0"). In summary, the available evidence is currently insufficient to determine the role of this variant in disease. Therefore, it has been classified as a Variant of Uncertain Significance.

NM_005045.4(RELN):c.4913C>A (p.Ala1638Asp)

Gene: RELN (reelin; minus strand). Cytogenetic location: 7q22.1.
Variant type: single nucleotide variant.
Coding change: c.4913C>A on transcript NM_005045.4 (MANE Select); coding-DNA position 4913, C replaced by A.
Protein change: p.Ala1638Asp; replaces alanine 1638 with aspartic acid.
Molecular consequence: missense variant.
Genome position (GRCh38, 1-based): chr7:103,566,247, G>T on the plus strand (C>A on the coding strand, the complement: RELN is on the minus strand). VCF-style: chr7-103566247-G-T. GRCh37 (hg19) VCF-style: chr7-103206694-G-T.
Other names: c.4913C>A, p.Ala1638Asp (NM_173054.3); short protein forms A1638D.
Identifiers: ClinVar variation 1018583 (VCV001018583.7), dbSNP rs1217207298, ClinGen allele CA368747696.